The following is an entry in ClinVar:

ClinVar aggregate classification (germline): Uncertain significance (1 of 4 stars; one submission).

Submission:

Labcorp Genetics (formerly Invitae), Labcorp
Classification: Uncertain significance. Last evaluated: 2025-05-11. Review status: criteria provided, single submitter. Criteria: Invitae Variant Classification Sherloc (09022015). Collection method: clinical testing. Allele origin: germline.
Comment: This sequence change replaces leucine, which is neutral and non-polar, with arginine, which is basic and polar, at codon 1033 of the NBAS protein (p.Leu1033Arg). This variant is not present in population databases (gnomAD no frequency). This variant has not been reported in the literature in individuals affected with NBAS-related conditions. Invitae Evidence Modeling of protein sequence and biophysical properties (such as structural, functional, and spatial information, amino acid conservation, physicochemical variation, residue mobility, and thermodynamic stability) has been performed for this missense variant. However, the output from this modeling did not meet the statistical confidence thresholds required to predict the impact of this variant on NBAS protein function. In summary, the available evidence is currently insufficient to determine the role of this variant in disease. Therefore, it has been classified as a Variant of Uncertain Significance.

NM_015909.4(NBAS):c.3098T>G (p.Leu1033Arg)

Gene: NBAS (NBAS subunit of NRZ tethering complex; minus strand). Cytogenetic location: 2p24.3.
Variant type: single nucleotide variant.
Coding change: c.3098T>G on transcript NM_015909.4 (MANE Select); coding-DNA position 3098, T replaced by G.
Protein change: p.Leu1033Arg; replaces leucine 1033 with arginine.
Molecular consequence: missense variant. On other transcripts: non-coding transcript variant (1).
Genome position (GRCh38, 1-based): chr2:15,396,449, A>C on the plus strand (T>G on the coding strand, the complement: NBAS is on the minus strand). VCF-style: chr2-15396449-A-C. GRCh37 (hg19) VCF-style: chr2-15536573-A-C.
Other names: short protein forms L1033R.
Identifiers: ClinVar variation 4778984 (VCV004778984.1).